The following is an entry in ClinVar:

NM_004586.3(RPS6KA3):c.637G>T (p.Gly213Cys)

Gene: RPS6KA3 (ribosomal protein S6 kinase A3; minus strand). Cytogenetic location: Xp22.12.
Variant type: single nucleotide variant.
Coding change: c.637G>T on transcript NM_004586.3 (MANE Select); coding-DNA position 637, G replaced by T.
Protein change: p.Gly213Cys; replaces glycine 213 with cysteine.
Molecular consequence: missense variant.
Genome position (GRCh38, 1-based): chrX:20,187,965, C>A on the plus strand (G>T on the coding strand, the complement: RPS6KA3 is on the minus strand). VCF-style: chrX-20187965-C-A. GRCh37 (hg19) VCF-style: chrX-20206083-C-A.
Other names: short protein forms G213C.
Identifiers: ClinVar variation 3358947 (VCV003358947.3).
Genomic context (GRCh38, chrX:20,187,965, plus strand): 5'-CCACAGTTCCACAAAAAGAATATGCCTTCTTTTCATGGTCAATAGACTCTTTACTTAGGC[C>A]GAAATCTGCCAAAACAAATATCATAAATATCCTACATAAATTTGCACATGTAAATTTTAA-3'
Protein context (NP_004577.1, residues 203-223): EEGHIKLTDF[Gly213Cys]LSKESIDHEK

ClinVar aggregate classification (germline): Likely pathogenic (1 of 4 stars; one submission).

Conditions:
Coffin-Lowry syndrome (CLS). Also called: Mental retardation with osteocartilaginous abnormalities; COFFIN-LOWRY SYNDROME, MILD. Identifiers: Orphanet 192, MedGen C0265252, MONDO:0010561, OMIM 303600.

Submission:

Institute of Human Genetics, University of Leipzig Medical Center
Classification: Likely pathogenic for Coffin-Lowry syndrome. Last evaluated: 2024-04-18. Review status: criteria provided, single submitter. Criteria: ACMG Guidelines, 2015. Collection method: clinical testing. Allele origin: maternal. Inheritance: X-linked dominant inheritance. Affected: yes.
Comment: Criteria applied: PM1,PM5,PM2,PP3